The following is an entry in ClinVar:

ClinVar aggregate classification (germline): Uncertain significance. Review status: criteria provided, multiple submitters, no conflicts (2 of 4 stars). 3 submissions from 3 submitters: Uncertain significance (3). Last evaluated 2024-06-24.

Conditions:
Hereditary cancer-predisposing syndrome. Also called: Hereditary neoplastic syndrome; Neoplastic Syndromes, Hereditary; Tumor predisposition; Hereditary Cancer Syndrome. Identifiers: Orphanet 140162, MedGen C0027672, MeSH D009386, MONDO:0015356.
Juvenile polyposis syndrome (JPS). Identifiers: Orphanet 2929, MedGen C0345893, MONDO:0017380, OMIM 174900.

Allele frequency attached by ClinVar (database versions not stated): gnomAD 0.00001.

Submissions (3):

GeneDx
Classification: Uncertain significance. Last evaluated: 2024-06-24. Review status: criteria provided, single submitter. Criteria: GeneDx Variant Classification Process June 2021. Collection method: clinical testing. Allele origin: germline. Affected: yes.
Comment: Not observed at significant frequency in large population cohorts (gnomAD); In silico analysis supports that this missense variant has a deleterious effect on protein structure/function; Has not been previously published as pathogenic or benign to our knowledge; This variant is associated with the following publications: (PMID: 36243179)

Labcorp Genetics (formerly Invitae), Labcorp
Classification: Uncertain significance for Juvenile polyposis syndrome. Last evaluated: 2024-03-01. Review status: criteria provided, single submitter. Criteria: Invitae Variant Classification Sherloc (09022015). Collection method: clinical testing. Allele origin: germline.
Comment: This sequence change replaces proline, which is neutral and non-polar, with alanine, which is neutral and non-polar, at codon 140 of the BMPR1A protein (p.Pro140Ala). This variant is present in population databases (no rsID available, gnomAD 0.01%). This variant has not been reported in the literature in individuals affected with BMPR1A-related conditions. ClinVar contains an entry for this variant (Variation ID: 411615). Advanced modeling of protein sequence and biophysical properties (such as structural, functional, and spatial information, amino acid conservation, physicochemical variation, residue mobility, and thermodynamic stability) performed at Invitae indicates that this missense variant is not expected to disrupt BMPR1A protein function with a negative predictive value of 80%. In summary, the available evidence is currently insufficient to determine the role of this variant in disease. Therefore, it has been classified as a Variant of Uncertain Significance.

Ambry Genetics
Classification: Uncertain significance for Hereditary cancer-predisposing syndrome. Last evaluated: 2023-07-20. Review status: criteria provided, single submitter. Criteria: Ambry Variant Classification Scheme 2023. Collection method: clinical testing. Allele origin: germline.
Comment: The p.P140A variant (also known as c.418C>G), located in coding exon 4 of the BMPR1A gene, results from a C to G substitution at nucleotide position 418. The proline at codon 140 is replaced by alanine, an amino acid with highly similar properties. This amino acid position is highly conserved in available vertebrate species. In addition, the in silico prediction for this alteration is inconclusive. Since supporting evidence is limited at this time, the clinical significance of this alteration remains unclear.

NM_004329.3(BMPR1A):c.418C>G (p.Pro140Ala)

Gene: BMPR1A (bone morphogenetic protein receptor type 1A; plus strand). Cytogenetic location: 10q23.2.
Variant type: single nucleotide variant.
Coding change: c.418C>G on transcript NM_004329.3 (MANE Select); coding-DNA position 418, C replaced by G.
Protein change: p.Pro140Ala; replaces proline 140 with alanine.
Molecular consequence: missense variant.
Genome position (GRCh38, 1-based): chr10:86,899,878, C>G. VCF-style: chr10-86899878-C-G. GRCh37 (hg19) VCF-style: chr10-88659635-C-G.
Other names: short protein forms P140A.
Identifiers: ClinVar variation 411615 (VCV000411615.15), dbSNP rs138478597, ClinGen allele CA16612968.
Genomic context (GRCh38, chr10:86,899,878, plus strand): 5'-CGGACAATAGAATGTTGTCGGACCAATTTATGTAACCAGTATTTGCAACCCACACTGCCC[C>G]CTGTTGTCATAGGTAGGTTAGCCGAGAAAAGTCGGAGCATGCTTCTCAAATATCTTCTCT-3'
Protein context (NP_004320.2, residues 130-150): CNQYLQPTLP[Pro140Ala]VVIGPFFDGS